The following is an entry in ClinVar:

NM_004208.4(AIFM1):c.1305+240C>G

Genes: AIFM1 (apoptosis inducing factor mitochondria associated 1; minus strand), RAB33A (RAB33A, member RAS oncogene family; plus strand). Cytogenetic location: Xq26.1.
Variant type: single nucleotide variant.
Coding change: c.1305+240C>G on transcript NM_004208.4 (MANE Select); 240 bases into the intron after coding-DNA position 1305, C replaced by G.
Molecular consequence: intron variant.
Genome position (GRCh38, 1-based): chrX:130,135,805, G>C on the plus strand (C>G on the coding strand, the complement: AIFM1 is on the minus strand). VCF-style: chrX-130135805-G-C. GRCh37 (hg19) VCF-style: chrX-129269780-G-C.
Other names: c.1293+240C>G (NM_145812.3); c.*533+240C>G (NM_001130847.4); c.288+240C>G (NM_001130846.4).
Identifiers: ClinVar variation 677968 (VCV000677968.1), dbSNP rs209997, ClinGen allele CA15036159.
Genomic context (GRCh38, chrX:130,135,805, plus strand): 5'-AGGCTTATGTGCATGCCCACCAGGGGTTATGCCAGTAGCTGCTGCCAATAAGTAGAACCG[G>C]AAGAGCTCTACCCCTGCAGGCATGCACACTGTTCATTTCATCTGCCACTAGCTTGCAGAT-3'

ClinVar aggregate classification (germline): Benign (1 of 4 stars; one submission).

Allele frequency attached by ClinVar (database versions not stated): 1000 Genomes Project 0.43523; gnomAD 0.44218 and 0.44711; 1000 Genomes Project 30x 0.44412; TOPMed 0.44530.
gnomAD v4.1: 48,791 of 110,043 alleles (44%); highest among the groups gnomAD compares: African/African-American, 53%; 8,047 homozygotes.

Submission:

GeneDx
Classification: Benign. Last evaluated: 2018-06-14. Review status: criteria provided, single submitter. Criteria: GeneDx Variant Classification (06012015). Collection method: clinical testing. Allele origin: germline. Affected: yes.
Comment: This variant is considered likely benign or benign based on one or more of the following criteria: it is a conservative change, it occurs at a poorly conserved position in the protein, it is predicted to be benign by multiple in silico algorithms, and/or has population frequency not consistent with disease.